The following is an entry in ClinVar:

NM_000059.4(BRCA2):c.4926_4935del (p.Asn1642fs)

Gene: BRCA2 (BRCA2 DNA repair associated; plus strand). Cytogenetic location: 13q13.1.
Variant type: Deletion.
Coding change: c.4926_4935del on transcript NM_000059.4 (MANE Select); coding-DNA positions 4926 to 4935, 10 bases deleted (TGTAGAAAAA; older notation c.4926_4935delTGTAGAAAAA).
Protein change: p.Asn1642fs; shifts the reading frame from asparagine 1642.
Molecular consequence: frameshift variant.
Genome position (GRCh38, 1-based): chr13:32,339,281-32,339,290, TGTAGAAAAA deleted; deleting any 10 consecutive bases within chr13:32,339,277-32,339,290 gives the same sequence; the c. name uses the placement nearest the transcript's 3' end. VCF-style (leftmost placement, unchanged base first): chr13-32339276-GAAAATGTAGA-G. GRCh37 (hg19) VCF-style: chr13-32913413-GAAAATGTAGA-G.
Other names: c.4926_4935delTGTAGAAAAA (NM_000059.3); short protein forms N1642fs.
Identifiers: ClinVar variation 51742 (VCV000051742.3), dbSNP rs397507750, ClinGen allele CA021017.
Genomic context (GRCh38, chr13:32,339,276, plus strand): 5'-TGTAGACAAACTGAAAATCTCAAAACATCAAAAAGTATCTTTTTGAAAGTTAAAGTACAT[GAAAATGTAGA>G]AAAAGAAACAGCAAAAAGTCCTGCAACTTGTTACACAAATCAGTCCCCTTATTCAGTCAT-3'

ClinVar aggregate classification (germline): Pathogenic. Review status: reviewed by expert panel (3 of 4 stars). 2 submissions from 2 submitters: Pathogenic (1). 1 of the submissions does not count toward it. Last evaluated 2017-12-15.

Conditions:
Familial cancer of breast. Also called: BREAST CANCER, FAMILIAL; Hereditary breast cancer; hereditary breast carcinoma. Identifiers: Orphanet 227535, MedGen C0346153, MONDO:0016419, OMIM 114480. Disease mechanism: loss of function.
Breast-ovarian cancer, familial, susceptibility to, 2 (BROVCA2). Also called: BRCA2 Hereditary Breast and Ovarian Cancer. Identifiers: Orphanet 145, MedGen C2675520, MONDO:0012933, OMIM 612555. Disease mechanism: loss of function.

Submissions (2):

Evidence-based Network for the Interpretation of Germline Mutant Alleles (ENIGMA)
Classification: Pathogenic for Breast-ovarian cancer, familial, susceptibility to, 2. Last evaluated: 2017-12-15. Review status: reviewed by expert panel. Criteria: ENIGMA BRCA1/2 Classification Criteria (2017-06-29). Collection method: curation. Allele origin: germline. Study: ENIGMA.
Comment: Variant allele predicted to encode a truncated non-functional protein.

ClinVar Staff, National Center for Biotechnology Information (NCBI)
No classification provided. Condition: Familial cancer of breast. Review status: no classification provided. Collection method: literature only. Allele origin: germline. Affected: yes. Not counted in ClinVar's aggregate classification.

Literature cited by the submitters: PubMed 22762150 (cited by ClinVar Staff, National Center for Biotechnology Information (NCBI)).